The following is an entry in ClinVar:

NM_020812.4(DOCK6):c.4410_4411del (p.Cys1470fs)

Genes: DOCK6 (dedicator of cytokinesis 6; minus strand), DOCK6-AS1 (DOCK6 antisense RNA 1; plus strand). Cytogenetic location: 19p13.2.
Variant type: Microsatellite.
Coding change: c.4410_4411del on transcript NM_020812.4 (MANE Select); coding-DNA positions 4410 to 4411, 2 bases deleted (TG; older notation c.4410_4411delTG).
Protein change: p.Cys1470fs; shifts the reading frame from cysteine 1470.
Molecular consequence: frameshift variant.
Genome position (GRCh38, 1-based): chr19:11,213,256-11,213,257, CA deleted on the plus strand (TG on the coding strand, the reverse complement: DOCK6 is on the minus strand); deleting any 2 consecutive bases within chr19:11,213,256-11,213,259 gives the same sequence; the c. name uses the placement nearest the transcript's 3' end. VCF-style (leftmost placement, unchanged base first): chr19-11213255-CCA-C. GRCh37 (hg19) VCF-style: chr19-11323931-CCA-C.
Other names: c.4515_4516del, p.Cys1505fs (NM_001367830.1); short protein forms C1505fs, C1470fs.
Identifiers: ClinVar variation 4987092 (VCV004987092.1).

ClinVar aggregate classification (germline): Likely pathogenic (1 of 4 stars; one submission).

Conditions:
DOCK6-related disorder. Also called: DOCK6-related condition.

Submission:

PreventionGenetics, part of Exact Sciences
Classification: Likely pathogenic for DOCK6-related condition. Last evaluated: 2025-12-05. Review status: criteria provided, single submitter. Criteria: ACMG Guidelines, 2015. Collection method: clinical testing. Allele origin: germline.
Comment: The DOCK6 c.4410_4411delTG variant is predicted to result in a frameshift and premature protein termination (p.Cys1470Trpfs*52). To our knowledge, this variant has not been reported in the literature or in a large population database (gnomAD), indicating this variant is rare. Frameshift variants in DOCK6 are expected to be pathogenic. This variant is interpreted as likely pathogenic.